The following is an entry in ClinVar:

ClinVar aggregate classification (germline): Conflicting classifications of pathogenicity. Review status: criteria provided, conflicting classifications (1 of 4 stars). 2 submissions from 2 submitters: Pathogenic (1); Uncertain significance (1). Last evaluated 2025-02-19.

Conditions:
Inborn genetic diseases. Identifiers: MedGen C0950123, MeSH D030342.
Developmental and epileptic encephalopathy, 12 (DEE12). Identifiers: MedGen C3150988, MONDO:0013389, OMIM 613722.

Submissions (2):

Labcorp Genetics (formerly Invitae), Labcorp
Classification: Pathogenic for Developmental and epileptic encephalopathy, 12. Last evaluated: 2025-02-19. Review status: criteria provided, single submitter. Criteria: Invitae Variant Classification Sherloc (09022015). Collection method: clinical testing. Allele origin: germline.
Comment: This variant, c.976_978del, results in the deletion of 1 amino acid(s) of the PNKP protein (p.Glu326del), but otherwise preserves the integrity of the reading frame. This variant is present in population databases (rs745385484, gnomAD 0.006%). This variant has not been reported in the literature in individuals affected with PNKP-related conditions. This variant disrupts a region of the PNKP protein in which other variant(s) (p.Glu326Lys) have been determined to be pathogenic (PMID: 20118933, 32056211). This suggests that this is a clinically significant region of the protein, and that variants that disrupt it are likely to be disease-causing. For these reasons, this variant has been classified as Pathogenic.

Ambry Genetics
Classification: Uncertain significance for Inborn genetic diseases. Last evaluated: 2018-10-23. Review status: criteria provided, single submitter. Criteria: Ambry Variant Classification Scheme 2023. Collection method: clinical testing. Allele origin: germline.
Comment: The c.976_978delGAG variant (also known as p.E326del) is located in coding exon 10 of the PNKP gene. This variant results from an in-frame GAG deletion at nucleotide positions 976 to 978. This results in the in-frame deletion of a glutamic acid residue at codon 10. This amino acid position is highly conserved in available vertebrate species. In addition, this alteration is predicted to be deleterious by in silico analysis (Choi Y et al., PLoS ONE 2012; 7(10):e46688) Since supporting evidence is limited at this time, the clinical significance of this alteration remains unclear.

Literature cited by the submitters: PubMed 20118933 (cited by Labcorp Genetics (formerly Invitae), Labcorp); PubMed 32056211 (cited by Labcorp Genetics (formerly Invitae), Labcorp).

NM_007254.4(PNKP):c.973GAG[1] (p.Glu326del)

Gene: PNKP (polynucleotide kinase 3'-phosphatase; minus strand). Cytogenetic location: 19q13.33.
Variant type: Microsatellite.
Coding change: c.973GAG[1] on transcript NM_007254.4 (MANE Select); one copy of the 3-base unit GAG starting at c.973; the reference has two copies in a row; one copy, 3 bases deleted.
Protein change: p.Glu326del; deletes glutamic acid 326.
Molecular consequence: inframe deletion.
Genome position (GRCh38, 1-based): chr19:49,862,422-49,862,424, CTC deleted on the plus strand (GAG on the coding strand, the reverse complement: PNKP is on the minus strand); deleting any 3 consecutive bases within chr19:49,862,422-49,862,427 gives the same sequence; the position shown is the placement nearest the transcript's 3' end. VCF-style (leftmost placement, unchanged base first): chr19-49862421-ACTC-A. GRCh37 (hg19) VCF-style: chr19-50365678-ACTC-A.
Other names: short protein forms E326del.
Identifiers: ClinVar variation 1768115 (VCV001768115.3), dbSNP rs745385484, ClinGen allele CA9586672.
Genomic context (GRCh38, chr19:49,862,421, plus strand): 5'-AGGGCCTCACCGGATCAAAGGCTGGGAGCTCGAAGCCGGCTGCTGGCCACTTGAGAAAGA[ACTC>A]CTCAGGCGTGGCGAAGGGCAGGCCAAGGTTGAGGGCAAACTAGGGGTTGAGGACGAACAT-3'